The following is an entry in ClinVar:

ClinVar aggregate classification (germline): Uncertain significance (1 of 4 stars; one submission).

Submission:

Labcorp Genetics (formerly Invitae), Labcorp
Classification: Uncertain significance. Last evaluated: 2022-10-13. Review status: criteria provided, single submitter. Criteria: Invitae Variant Classification Sherloc (09022015). Collection method: clinical testing. Allele origin: germline.
Comment: This sequence change replaces serine, which is neutral and polar, with alanine, which is neutral and non-polar, at codon 101 of the WHRN protein (p.Ser101Ala). This variant is not present in population databases (gnomAD no frequency). This variant has not been reported in the literature in individuals affected with WHRN-related conditions. Algorithms developed to predict the effect of missense changes on protein structure and function are either unavailable or do not agree on the potential impact of this missense change (SIFT: "Tolerated"; PolyPhen-2: "Probably Damaging"; Align-GVGD: "Class C15"). In summary, the available evidence is currently insufficient to determine the role of this variant in disease. Therefore, it has been classified as a Variant of Uncertain Significance.

NM_015404.4(WHRN):c.301T>G (p.Ser101Ala)

Gene: WHRN (whirlin; minus strand). Cytogenetic location: 9q32.
Variant type: single nucleotide variant.
Coding change: c.301T>G on transcript NM_015404.4 (MANE Select); coding-DNA position 301, T replaced by G.
Protein change: p.Ser101Ala; replaces serine 101 with alanine.
Molecular consequence: missense variant.
Genome position (GRCh38, 1-based): chr9:114,504,501, A>C on the plus strand (T>G on the coding strand, the complement: WHRN is on the minus strand). VCF-style: chr9-114504501-A-C. GRCh37 (hg19) VCF-style: chr9-117266781-A-C.
Other names: c.301T>G, p.Ser101Ala (NM_001173425.2); short protein forms S101A.
Identifiers: ClinVar variation 2118540 (VCV002118540.4), dbSNP rs2493918788, ClinGen allele CA374613092.
Genomic context (GRCh38, chr9:114,504,501, plus strand): 5'-GGGTGGTGGCGGGCAGGTAGAGGCCCTCGGCCGTGTATTGGTCGAAGAGCAGCTGGTCGG[A>C]GCGCGGGATGACCAGACGAAGCATGGGCAGCAGGCGCCGCTTGACCGGACTGTCCAGCAG-3'
Protein context (NP_056219.3, residues 91-111): LPMLRLVIPR[Ser101Ala]DQLLFDQYTA